The following is an entry in ClinVar:

ClinVar aggregate classification (germline): Uncertain significance (1 of 4 stars; one submission).

Conditions:
Hereditary cancer-predisposing syndrome. Also called: Neoplastic Syndromes, Hereditary; Hereditary Cancer Syndrome; Tumor predisposition; Hereditary neoplastic syndrome. Identifiers: Orphanet 140162, MedGen C0027672, MeSH D009386, MONDO:0015356.

Submission:

Labcorp Genetics (formerly Invitae), Labcorp
Classification: Uncertain significance for Hereditary cancer-predisposing syndrome. Last evaluated: 2023-04-03. Review status: criteria provided, single submitter. Criteria: Invitae Variant Classification Sherloc (09022015). Collection method: clinical testing. Allele origin: germline.
Comment: In summary, the available evidence is currently insufficient to determine the role of this variant in disease. Therefore, it has been classified as a Variant of Uncertain Significance. Advanced modeling of protein sequence and biophysical properties (such as structural, functional, and spatial information, amino acid conservation, physicochemical variation, residue mobility, and thermodynamic stability) performed at Invitae indicates that this missense variant is not expected to disrupt RAD50 protein function. This sequence change replaces serine, which is neutral and polar, with isoleucine, which is neutral and non-polar, at codon 142 of the RAD50 protein (p.Ser142Ile). This variant is not present in population databases (gnomAD no frequency). This variant has not been reported in the literature in individuals affected with RAD50-related conditions.

NM_005732.4(RAD50):c.425G>T (p.Ser142Ile)

Gene: RAD50 (RAD50 double strand break repair protein; plus strand). Cytogenetic location: 5q31.1.
Variant type: single nucleotide variant.
Coding change: c.425G>T on transcript NM_005732.4 (MANE Select); coding-DNA position 425, G replaced by T.
Protein change: p.Ser142Ile; replaces serine 142 with isoleucine.
Molecular consequence: missense variant.
Genome position (GRCh38, 1-based): chr5:132,579,376, G>T. VCF-style: chr5-132579376-G-T. GRCh37 (hg19) VCF-style: chr5-131915068-G-T.
Other names: short protein forms S142I.
Identifiers: ClinVar variation 2851617 (VCV002851617.3), dbSNP rs745933578, ClinGen allele CA127237315.